The following is an entry in ClinVar:

NM_014956.5(CEP164):c.3805C>T (p.Arg1269Trp)

Gene: CEP164 (centrosomal protein 164; plus strand). Cytogenetic location: 11q23.3.
Variant type: single nucleotide variant.
Coding change: c.3805C>T on transcript NM_014956.5 (MANE Select); coding-DNA position 3805, C replaced by T.
Protein change: p.Arg1269Trp; replaces arginine 1269 with tryptophan.
Molecular consequence: missense variant.
Genome position (GRCh38, 1-based): chr11:117,409,674, C>T. VCF-style: chr11-117409674-C-T. GRCh37 (hg19) VCF-style: chr11-117280390-C-T.
Other names: c.3790C>T, p.Arg1264Trp (NM_001271933.2); c.3805C>T (NM_014956.4); short protein forms R1269W, R1264W.
Identifiers: ClinVar variation 1356229 (VCV001356229.9), dbSNP rs142578192, ClinGen allele CA6295588.
Genomic context (GRCh38, chr11:117,409,674, plus strand): 5'-TCAGTCGACTCAACCCCGAGTCTCACCTCCCGCAAGATCCACGGGCTTAGCCACTCCCTC[C>T]GGCAGATCAGCAGCCAGCTGAGCAGTGTCCTCAGCATCCTGGACAGCCTCAACCCTCAGT-3'
Protein context (NP_055771.4, residues 1259-1279): RKIHGLSHSL[Arg1269Trp]QISSQLSSVL

ClinVar aggregate classification (germline): Uncertain significance. Review status: criteria provided, single submitter (1 of 4 stars). 2 submissions from 2 submitters: Uncertain significance (1). 1 of the submissions does not count toward it. Last evaluated 2023-02-25.

Conditions:
CEP164-related disorder. Also called: CEP164-related condition.
Nephronophthisis 15 (NPHP15). Identifiers: Orphanet 3156, MedGen C3541853, MONDO:0013917, OMIM 614845.

Allele frequency attached by ClinVar (database versions not stated): gnomAD 0.00001 and 0.00002; TOPMed 0.00002; gnomAD exomes 0.00003; ExAC 0.00005.
gnomAD v4.1: 48 of 1,613,986 alleles (0.003%); highest among the groups gnomAD compares: South Asian, 0.023%; no homozygotes.

Submissions (2):

Labcorp Genetics (formerly Invitae), Labcorp
Classification: Uncertain significance for Nephronophthisis 15. Last evaluated: 2023-02-25. Review status: criteria provided, single submitter. Criteria: Invitae Variant Classification Sherloc (09022015). Collection method: clinical testing. Allele origin: germline.
Comment: This sequence change replaces arginine, which is basic and polar, with tryptophan, which is neutral and slightly polar, at codon 1269 of the CEP164 protein (p.Arg1269Trp). The frequency data for this variant in the population databases is considered unreliable, as metrics indicate poor data quality at this position in the gnomAD database. In summary, the available evidence is currently insufficient to determine the role of this variant in disease. Therefore, it has been classified as a Variant of Uncertain Significance. Advanced modeling of protein sequence and biophysical properties (such as structural, functional, and spatial information, amino acid conservation, physicochemical variation, residue mobility, and thermodynamic stability) performed at Invitae indicates that this missense variant is not expected to disrupt CEP164 protein function. ClinVar contains an entry for this variant (Variation ID: 1356229). This variant has not been reported in the literature in individuals affected with CEP164-related conditions.

PreventionGenetics, part of Exact Sciences
Classification: Uncertain significance for CEP164-related condition. Last evaluated: 2024-08-09. Review status: no assertion criteria provided. Collection method: clinical testing. Allele origin: germline. Not counted in ClinVar's aggregate classification.
Comment: The CEP164 c.3805C>T variant is predicted to result in the amino acid substitution p.Arg1269Trp. To our knowledge, this variant has not been reported in the literature. This variant is reported in 0.015% of alleles in individuals of East Asian descent in gnomAD. At this time, the clinical significance of this variant is uncertain due to the absence of conclusive functional and genetic evidence.